The following is an entry in ClinVar:

ClinVar aggregate classification (germline): Pathogenic (1 of 4 stars; one submission).

Conditions:
Hereditary spastic paraplegia 4. Also called: Spastic paraplegia 4, autosomal dominant; Spastic Paraplegia 4; Familial spastic paraplegia autosomal dominant 2. Identifiers: Orphanet 100985, MedGen C1866855, MONDO:0008438, OMIM 182601.

Submission:

Labcorp Genetics (formerly Invitae), Labcorp
Classification: Pathogenic for Hereditary spastic paraplegia 4. Last evaluated: 2022-07-26. Review status: criteria provided, single submitter. Criteria: Invitae Variant Classification Sherloc (09022015). Collection method: clinical testing. Allele origin: germline.
Comment: For these reasons, this variant has been classified as Pathogenic. ClinVar contains an entry for this variant (Variation ID: 962566). This variant has not been reported in the literature in individuals affected with SPAST-related conditions. This variant is not present in population databases (gnomAD no frequency). This sequence change creates a premature translational stop signal (p.Asn326*) in the SPAST gene. It is expected to result in an absent or disrupted protein product. Loss-of-function variants in SPAST are known to be pathogenic (PMID: 20932283).

Literature cited by the submitters: PubMed 20932283.

NM_014946.4(SPAST):c.975dup (p.Asn326Ter)

Gene: SPAST (spastin; plus strand). Cytogenetic location: 2p22.3.
Variant type: Duplication.
Coding change: c.975dup on transcript NM_014946.4 (MANE Select); coding-DNA position 975, one base duplicated (T; older notation c.975dupT).
Protein change: p.Asn326Ter; replaces asparagine 326 with a stop codon.
Molecular consequence: nonsense.
Genome position (GRCh38, 1-based): chr2:32,115,806, T duplicated. VCF-style (leftmost placement, unchanged base first): chr2-32115805-C-CT. GRCh37 (hg19) VCF-style: chr2-32340874-C-CT.
Other names: c.972dup, p.Asn325Ter (NM_001363823.2); c.876dup, p.Asn293Ter (NM_001363875.2); c.879dup, p.Asn294Ter (NM_001377959.1, NM_199436.2); short protein forms N293*, N294*, N326*, N325*.
Identifiers: ClinVar variation 962566 (VCV000962566.7), dbSNP rs1678809927, ClinGen allele CA1139656868.